The following is an entry in ClinVar:

ClinVar aggregate classification (germline): Uncertain significance (1 of 4 stars; one submission).

Conditions:
Heterotopia, periventricular, X-linked dominant (PVNH1). Also called: PERIVENTRICULAR NODULAR HETEROTOPIA 1; X-linked periventricular heterotopia; PERIVENTRICULAR NODULAR HETEROTOPIA 4; HETEROTOPIA, PERIVENTRICULAR, 1. Identifiers: Orphanet 2149, Orphanet 82004, MedGen C1848213, MONDO:0010233, OMIM 300049.
Oto-palato-digital syndrome, type II (OPD2). Also called: FACIOPALATOOSSEOUS SYNDROME; OPD II SYNDROME; Otopalatodigital Syndrome Type 2 (FLNA-OPD2); Otopalatodigital Syndrome, Type II. Identifiers: Orphanet 669, Orphanet 90652, MedGen C1844696, MONDO:0010571, OMIM 304120.
Frontometaphyseal dysplasia (FMD1). Identifiers: Orphanet 1826, MedGen C0265293, MONDO:0015942.
Melnick-Needles syndrome (MNS). Also called: MELNICK-NEEDLES OSTEODYSPLASTY; OSTEODYSPLASTY OF MELNICK AND NEEDLES; Melnick-Needles Syndrome (FLNA-MNS). Identifiers: Orphanet 2484, MedGen C0025237, MONDO:0010650, OMIM 309350.

Submission:

Labcorp Genetics (formerly Invitae), Labcorp
Classification: Uncertain significance for Oto-palato-digital syndrome, type II; Heterotopia, periventricular, X-linked dominant; Frontometaphyseal dysplasia; Melnick-Needles syndrome. Last evaluated: 2017-02-08. Review status: criteria provided, single submitter. Criteria: Invitae Variant Classification Sherloc (09022015). Collection method: clinical testing. Allele origin: germline.
Comment: In summary, this variant is a novel in-frame complex sequence change and the impact of this change is uncertain. Therefore, it has been classified as a Variant of Uncertain Significance. This variant is not present in population databases (ExAC no frequency) and has not been reported in the literature in individuals with a FLNA-related disease. This variant, c.2254_2268delinsCCCTTCAGGGTG, is a complex sequence change that results in the deletion of five amino acids of the FLNA protein and the insertion of four amino acids (p.Val752_Asn756delinsProPheArgVal).

NM_001110556.2(FLNA):c.2254_2268delinsCCCTTCAGGGTG (p.Val752_Asn756delinsProPheArgVal)

Gene: FLNA (filamin A; minus strand). Cytogenetic location: Xq28.
Variant type: Indel.
Coding change: c.2254_2268delinsCCCTTCAGGGTG on transcript NM_001110556.2 (MANE Select); coding-DNA positions 2254 to 2268, GTCAGCATCCCCAAC replaced by CCCTTCAGGGTG.
Protein change: p.Val752_Asn756delinsProPheArgVal.
Molecular consequence: inframe indel.
Genome position (GRCh38, 1-based): chrX:154,364,034-154,364,048, GTTGGGGATGCTGAC replaced by CACCCTGAAGGG on the plus strand (GTCAGCATCCCCAAC replaced by CCCTTCAGGGTG on the coding strand, the reverse complement: FLNA is on the minus strand). VCF-style: chrX-154364034-GTTGGGGATGCTGAC-CACCCTGAAGGG. GRCh37 (hg19) VCF-style: chrX-153592402-GTTGGGGATGCTGAC-CACCCTGAAGGG.
Other names: c.2254_2268delGTCAGCATCCCCAACinsCCCTTCAGGGTG (NM_001456.3); c.2254_2268delinsCCCTTCAGGGTG, p.Val752_Asn756delinsProPheArgVal (NM_001456.4).
Identifiers: ClinVar variation 464977 (VCV000464977.10), dbSNP rs863223631, ClinGen allele CA658659065.